The following is an entry in ClinVar:

NM_004960.4(FUS):c.452C>T (p.Pro151Leu)

Gene: FUS (FUS RNA binding protein; plus strand). Cytogenetic location: 16p11.2.
Variant type: single nucleotide variant.
Coding change: c.452C>T on transcript NM_004960.4 (MANE Select); coding-DNA position 452, C replaced by T.
Protein change: p.Pro151Leu; replaces proline 151 with leucine.
Molecular consequence: missense variant. On other transcripts: non-coding transcript variant (1).
Genome position (GRCh38, 1-based): chr16:31,184,325, C>T. VCF-style: chr16-31184325-C-T. GRCh37 (hg19) VCF-style: chr16-31195646-C-T.
Other names: c.449C>T, p.Pro150Leu (NM_001170634.1); c.452C>T, p.Pro151Leu (NM_001170937.1); short protein forms P151L, P150L.
Identifiers: ClinVar variation 884516 (VCV000884516.12), dbSNP rs144342946, ClinGen allele CA8023625.
Genomic context (GRCh38, chr16:31,184,325, plus strand): 5'-GCCAGCAGCCTAGCTATGGTGGACAGCAGCAAAGCTATGGACAGCAGCAAAGCTATAATC[C>T]CCCTCAGGGCTATGGACAGCAGAACCAGTACAACAGCAGCAGTGGTGGTGGAGGTGGAGG-3'
Protein context (NP_004951.1, residues 141-161): QSYGQQQSYN[Pro151Leu]PQGYGQQNQY

ClinVar aggregate classification (germline): Conflicting classifications of pathogenicity. Review status: criteria provided, conflicting classifications (1 of 4 stars). 4 submissions from 4 submitters: Uncertain significance (3); Likely benign (1). Last evaluated 2026-06-03.

Conditions:
FUS-related disorder. Also called: FUS-related condition.
Tremor, hereditary essential, 4 (ETM4). Identifiers: MedGen C3539195, MONDO:0013888, OMIM 614782.
Amyotrophic lateral sclerosis type 6. Also called: Amyotrophic lateral sclerosis 6, with or without frontotemporal dementia; FUS-Related Amyotrophic Laterial Sclerosis; AMYOTROPHIC LATERAL SCLEROSIS 6 WITHOUT FRONTOTEMPORAL DEMENTIA. Identifiers: Orphanet 275872, Orphanet 803, MedGen C2931786, MONDO:0011951, OMIM 608030.
Inborn genetic diseases. Identifiers: MedGen C0950123, MeSH D030342.

Allele frequency attached by ClinVar (database versions not stated): TOPMed 0.00001; ExAC 0.00002; gnomAD 0.00002 and 0.00003; gnomAD exomes 0.00002 and 0.00004; ESP Exome Variant Server 0.00008.
gnomAD v4.1: 65 of 1,613,988 alleles (0.004%); highest among the groups gnomAD compares: Non-Finnish European, 0.0048%; no homozygotes.

Submissions (4):

PreventionGenetics, part of Exact Sciences
Classification: Uncertain significance for FUS-related condition. Last evaluated: 2026-06-03. Review status: criteria provided, single submitter. Criteria: ACMG Guidelines, 2015. Collection method: clinical testing. Allele origin: germline.
Comment: The FUS c.452C>T variant is predicted to result in the amino acid substitution p.Pro151Leu. To our knowledge, this variant has not been reported in individuals with FUS-related disease. This variant is reported in 0.0046% of alleles in individuals of European (non-Finnish) descent in gnomAD. A different missense change impacting the same amino acid (c.451C>T, p.Pro151Ser) has been reported as one of four genetic findings in an individual with early-onset Alzheimer disease (Table S4, Giau et al. 2019. PubMed ID: 31182772). At this time, the clinical significance of the c.452C>T (p.Pro151Leu) variant is uncertain due to the absence of conclusive functional and genetic evidence.

Labcorp Genetics (formerly Invitae), Labcorp
Classification: Uncertain significance for Tremor, hereditary essential, 4; Amyotrophic lateral sclerosis type 6. Last evaluated: 2025-12-12. Review status: criteria provided, single submitter. Criteria: Invitae Variant Classification Sherloc (09022015). Collection method: clinical testing. Allele origin: germline.
Comment: This sequence change replaces proline, which is neutral and non-polar, with leucine, which is neutral and non-polar, at codon 151 of the FUS protein (p.Pro151Leu). This variant is present in population databases (rs144342946, gnomAD 0.004%). This variant has not been reported in the literature in individuals affected with FUS-related conditions. ClinVar contains an entry for this variant (Variation ID: 884516). Experimental studies and prediction algorithms are not available or were not evaluated, and the functional significance of this variant is currently unknown. In summary, the available evidence is currently insufficient to determine the role of this variant in disease. Therefore, it has been classified as a Variant of Uncertain Significance.

Ambry Genetics
Classification: Likely benign for Inborn genetic diseases. Last evaluated: 2022-09-16. Review status: criteria provided, single submitter. Criteria: Ambry Variant Classification Scheme 2023. Collection method: clinical testing. Allele origin: germline.

Illumina Laboratory Services, Illumina
Classification: Uncertain significance for Amyotrophic lateral sclerosis type 6. Last evaluated: 2018-03-02. Review status: criteria provided, single submitter. Criteria: ICSL Variant Classification Criteria 13 December 2019. Collection method: clinical testing. Allele origin: germline.

Literature cited by the submitters: PubMed 25631824 (cited by Ambry Genetics).